The following is an entry in ClinVar:

ClinVar aggregate classification (germline): Uncertain significance (1 of 4 stars; one submission).

Conditions:
Inborn genetic diseases. Identifiers: MedGen C0950123, MeSH D030342.

Submission:

Ambry Genetics
Classification: Uncertain significance for Inborn genetic diseases. Last evaluated: 2025-05-31. Review status: criteria provided, single submitter. Criteria: Ambry Variant Classification Scheme 2023. Collection method: clinical testing. Allele origin: germline.
Comment: The p.D330E variant (also known as c.990T>G), located in coding exon 1 of the SAMD9L gene, results from a T to G substitution at nucleotide position 990. The aspartic acid at codon 330 is replaced by glutamic acid, an amino acid with highly similar properties. This amino acid position is conserved. In addition, this alteration is predicted to be tolerated by in silico analysis. Based on the available evidence, the clinical significance of this variant remains unclear.

NM_152703.5(SAMD9L):c.990T>G (p.Asp330Glu)

Gene: SAMD9L (sterile alpha motif domain containing 9 like; minus strand). Cytogenetic location: 7q21.2.
Variant type: single nucleotide variant.
Coding change: c.990T>G on transcript NM_152703.5 (MANE Select); coding-DNA position 990, T replaced by G.
Protein change: p.Asp330Glu; replaces aspartic acid 330 with glutamic acid.
Molecular consequence: missense variant.
Genome position (GRCh38, 1-based): chr7:93,134,982, A>C on the plus strand (T>G on the coding strand, the complement: SAMD9L is on the minus strand). VCF-style: chr7-93134982-A-C. GRCh37 (hg19) VCF-style: chr7-92764295-A-C.
Other names: c.990T>G, p.Asp330Glu (NM_001303496.3, NM_001303497.3, NM_001303498.3 and 5 more transcripts); short protein forms D330E.
Identifiers: ClinVar variation 3949980 (VCV003949980.1).
Genomic context (GRCh38, chr7:93,134,982, plus strand): 5'-CCTAGAGCTAGCCCCTTCTCTTACAAACAGTGAAAGATTTTGGTTTTGTTTCCATATTTT[A>C]TCTTTACAAATTTGCATCTGAATGTAGAAATACTTATCATTACATATAGAGTGTTTTGGA-3'
Protein context (NP_689916.2, residues 320-340): YFYIQMQICK[Asp330Glu]KIWKQNQNLS